The following is an entry in ClinVar:

NM_020461.4(TUBGCP6):c.885G>T (p.Arg295Ser)

Gene: TUBGCP6 (tubulin gamma complex component 6; minus strand). Cytogenetic location: 22q13.33.
Variant type: single nucleotide variant.
Coding change: c.885G>T on transcript NM_020461.4 (MANE Select); coding-DNA position 885, G replaced by T.
Protein change: p.Arg295Ser; replaces arginine 295 with serine.
Molecular consequence: missense variant.
Genome position (GRCh38, 1-based): chr22:50,240,224, C>A on the plus strand (G>T on the coding strand, the complement: TUBGCP6 is on the minus strand). VCF-style: chr22-50240224-C-A. GRCh37 (hg19) VCF-style: chr22-50678653-C-A.
Other names: short protein forms R295S.
Identifiers: ClinVar variation 955407 (VCV000955407.6), dbSNP rs370950430, ClinGen allele CA10308928.
Genomic context (GRCh38, chr22:50,240,224, plus strand): 5'-GGTAGGGGCACTGCATGCCAAGGCAAAGAAGGGCACACACCAGCCAACTCGCTCCCAGCA[C>A]CTCCGCTTGCTGGCCTCATAGGTAAGTGCGGCTTCCCACAGGTCCACGTCTGGGGTCACG-3'
Protein context (NP_065194.3, residues 285-305): AALTYEASKR[Arg295Ser]CWERVGCPPG

ClinVar aggregate classification (germline): Conflicting classifications of pathogenicity. Review status: criteria provided, conflicting classifications (1 of 4 stars). 2 submissions from 2 submitters: Uncertain significance (1); Likely benign (1). Last evaluated 2024-04-23.

Allele frequency attached by ClinVar (database versions not stated): gnomAD 0.00005 and 0.00008; TOPMed 0.00005; ExAC 0.00013; gnomAD exomes 0.00013; 1000 Genomes Project 30x 0.00047; 1000 Genomes Project 0.00060.

Submissions (2):

Blueprint Genetics
Classification: Likely benign. Last evaluated: 2024-04-23. Review status: criteria provided, single submitter. Criteria: ACMG Guidelines, 2015. Collection method: clinical testing. Allele origin: germline.

Labcorp Genetics (formerly Invitae), Labcorp
Classification: Uncertain significance. Last evaluated: 2022-10-25. Review status: criteria provided, single submitter. Criteria: Invitae Variant Classification Sherloc (09022015). Collection method: clinical testing. Allele origin: germline.
Comment: This sequence change replaces arginine, which is basic and polar, with serine, which is neutral and polar, at codon 295 of the TUBGCP6 protein (p.Arg295Ser). This variant is present in population databases (rs370950430, gnomAD 0.1%). This variant has not been reported in the literature in individuals affected with TUBGCP6-related conditions. ClinVar contains an entry for this variant (Variation ID: 955407). Algorithms developed to predict the effect of missense changes on protein structure and function are either unavailable or do not agree on the potential impact of this missense change (SIFT: "Tolerated"; PolyPhen-2: "Probably Damaging"; Align-GVGD: "Class C0"). Algorithms developed to predict the effect of sequence changes on RNA splicing suggest that this variant may disrupt the consensus splice site. In summary, the available evidence is currently insufficient to determine the role of this variant in disease. Therefore, it has been classified as a Variant of Uncertain Significance.